The following is an entry in ClinVar:

ClinVar aggregate classification (germline): Likely benign. Review status: criteria provided, multiple submitters, no conflicts (2 of 4 stars). 3 submissions from 3 submitters: Likely benign (3). Last evaluated 2025-12-14.

Conditions:
Autoimmune interstitial lung disease-arthritis syndrome. Also called: Autoinflammation and autoimmunity, systemic, with immune dysregulation. Identifiers: Orphanet 444092, MedGen C5975714, MONDO:0014629.

Allele frequency attached by ClinVar (database versions not stated): gnomAD exomes 0.00001 and 0.00004; TOPMed 0.00002; ExAC 0.00003; gnomAD 0.00004; ESP Exome Variant Server 0.00008.
gnomAD v4.1: 22 of 1,613,900 alleles (0.0014%); highest among the groups gnomAD compares: Middle Eastern, 0.016%; no homozygotes.

Submissions (3):

Labcorp Genetics (formerly Invitae), Labcorp
Classification: Likely benign for Autoimmune interstitial lung disease-arthritis syndrome. Last evaluated: 2025-12-14. Review status: criteria provided, single submitter. Criteria: Invitae Variant Classification Sherloc (09022015). Collection method: clinical testing. Allele origin: germline.

CeGaT Center for Human Genetics Tuebingen
Classification: Likely benign. Last evaluated: 2025-02-01. Review status: criteria provided, single submitter. Criteria: CeGaT Center For Human Genetics Tuebingen Variant Classification Criteria Version 2. Collection method: clinical testing. Allele origin: germline. Affected: yes. Observed: 1 variant allele.
Comment: COPA: BP4, BP7

Blueprint Genetics
Classification: Likely benign. Last evaluated: 2024-08-30. Review status: criteria provided, single submitter. Criteria: ACMG Guidelines, 2015. Collection method: clinical testing. Allele origin: germline.

NM_004371.4(COPA):c.1992A>C (p.Ala664=)

Gene: COPA (coat protein complex I subunit alpha; minus strand). Cytogenetic location: 1q23.2.
Variant type: single nucleotide variant.
Coding change: c.1992A>C on transcript NM_004371.4 (MANE Select); coding-DNA position 1992, A replaced by C.
Protein change: p.Ala664=; no amino-acid change (alanine 664 retained).
Molecular consequence: synonymous variant.
Genome position (GRCh38, 1-based): chr1:160,297,731, T>G on the plus strand (A>C on the coding strand, the complement: COPA is on the minus strand). VCF-style: chr1-160297731-T-G. GRCh37 (hg19) VCF-style: chr1-160267521-T-G.
Other names: c.2019A>C, p.Ala673= (NM_001098398.2).
Identifiers: ClinVar variation 1586428 (VCV001586428.22), dbSNP rs139463368, ClinGen allele CA1197977.